The following is an entry in ClinVar:

NM_001384732.1(CPLANE1):c.7533G>A (p.Lys2511=)

Gene: CPLANE1 (ciliogenesis and planar polarity effector complex subunit 1; minus strand). Cytogenetic location: 5p13.2.
Variant type: single nucleotide variant.
Coding change: c.7533G>A on transcript NM_001384732.1 (MANE Select); coding-DNA position 7533, G replaced by A.
Protein change: p.Lys2511=; no amino-acid change (lysine 2511 retained).
Molecular consequence: synonymous variant.
Genome position (GRCh38, 1-based): chr5:37,165,539, C>T on the plus strand (G>A on the coding strand, the complement: CPLANE1 is on the minus strand). VCF-style: chr5-37165539-C-T. GRCh37 (hg19) VCF-style: chr5-37165641-C-T.
Other names: c.7533G>A, p.Lys2511= (NM_023073.4).
Identifiers: ClinVar variation 986359 (VCV000986359.1), dbSNP rs753791198, ClinGen allele CA3238047.

ClinVar aggregate classification (germline): Likely pathogenic (1 of 4 stars; one submission).

Conditions:
Joubert syndrome 17 (JBTS17). Identifiers: Orphanet 475, MedGen C3553264, MONDO:0013824, OMIM 614615.

Allele frequency attached by ClinVar (database versions not stated): gnomAD exomes below 0.00001; ExAC 0.00001.

Submission:

Rady Children's Institute for Genomic Medicine, Rady Children's Hospital San Diego
Classification: Likely pathogenic for JOUBERT SYNDROME 17. Last evaluated: 2019-08-07. Review status: criteria provided, single submitter. Criteria: ACMG Guidelines, 2015. Collection method: clinical testing. Allele origin: germline. Affected: yes.
Comment: This synonymous variant occurs in the last nucleotide of exon 36 of 52, and is predicted by multiple in silico splicing tools to interfere with normal splicing. This variant has not been previously reported or functionally characterized in the literature to our knowledge. It is present in the heterozygous state in the gnomAD population database at a frequency of 0.0004% (1/240064), and thus is presumed to be rare. Based on the available evidence, the c.7533G>A (p.Lys2511=) variant is classified as a Likely Pathogenic.